The following is an entry in ClinVar:

ClinVar aggregate classification (germline): Uncertain significance. Review status: criteria provided, multiple submitters, no conflicts (2 of 4 stars). 2 submissions from 2 submitters: Uncertain significance (2). Last evaluated 2022-12-15.

Conditions:
Inborn genetic diseases. Identifiers: MedGen C0950123, MeSH D030342.
Charcot-Marie-Tooth disease type 4. Also called: Charcot-Marie-Tooth disease, type IV; Charcot-Marie-Tooth, Type 4. Identifiers: Orphanet 64749, MedGen C4082197, MONDO:0018995.

Allele frequency attached by ClinVar (database versions not stated): TOPMed below 0.00001; gnomAD 0.00001; gnomAD exomes 0.00004 and 0.00007; ExAC 0.00008.
gnomAD v4.1: 94 of 1,612,500 alleles (0.0058%); highest among the groups gnomAD compares: Non-Finnish European, 0.0076%; no homozygotes.

Submissions (2):

Ambry Genetics
Classification: Uncertain significance for Inborn genetic diseases. Last evaluated: 2022-12-15. Review status: criteria provided, single submitter. Criteria: Ambry Variant Classification Scheme 2023. Collection method: clinical testing. Allele origin: germline.

Labcorp Genetics (formerly Invitae), Labcorp
Classification: Uncertain significance for Charcot-Marie-Tooth disease type 4. Last evaluated: 2021-08-27. Review status: criteria provided, single submitter. Criteria: Invitae Variant Classification Sherloc (09022015). Collection method: clinical testing. Allele origin: germline.
Comment: This sequence change replaces glutamic acid with glycine at codon 597 of the PRX protein (p.Glu597Gly). The glutamic acid residue is weakly conserved and there is a moderate physicochemical difference between glutamic acid and glycine. This variant is present in population databases (rs746698242, ExAC 0.01%). This variant has not been reported in the literature in individuals affected with PRX-related conditions. Algorithms developed to predict the effect of missense changes on protein structure and function are either unavailable or do not agree on the potential impact of this missense change (SIFT: "Tolerated"; PolyPhen-2: "Possibly Damaging"; Align-GVGD: "Class C0"). In summary, the available evidence is currently insufficient to determine the role of this variant in disease. Therefore, it has been classified as a Variant of Uncertain Significance.

NM_181882.3(PRX):c.1790A>G (p.Glu597Gly)

Gene: PRX (periaxin; minus strand). Cytogenetic location: 19q13.2.
Variant type: single nucleotide variant.
Coding change: c.1790A>G on transcript NM_181882.3 (MANE Select); coding-DNA position 1790, A replaced by G.
Protein change: p.Glu597Gly; replaces glutamic acid 597 with glycine.
Molecular consequence: missense variant. On other transcripts: 3 prime UTR variant (1).
Genome position (GRCh38, 1-based): chr19:40,396,562, T>C on the plus strand (A>G on the coding strand, the complement: PRX is on the minus strand). VCF-style: chr19-40396562-T-C. GRCh37 (hg19) VCF-style: chr19-40902469-T-C.
Other names: c.*1995A>G (NM_020956.2); short protein forms E597G.
Identifiers: ClinVar variation 652437 (VCV000652437.8), dbSNP rs746698242, ClinGen allele CA9444197.